The following is an entry in ClinVar:

ClinVar aggregate classification (germline): Uncertain significance. Review status: reviewed by expert panel (3 of 4 stars). 3 submissions from 3 submitters: Uncertain significance (1). 2 of the submissions do not count toward it. Last evaluated 2021-06-11.

Conditions:
Phenylketonuria (PKU). Also called: Phenylketonuria (PKU); FOLLING DISEASE; OLIGOPHRENIA PHENYLPYRUVICA; Phenylketonurias. Identifiers: Orphanet 716, MedGen C0031485, MONDO:0009861, OMIM 261600. Disease mechanism: loss of function.

Submissions (3):

ClinGen PAH Variant Curation Expert Panel
Classification: Uncertain significance for Phenylketonuria. Last evaluated: 2021-06-11. Review status: reviewed by expert panel. Criteria: ClinGen PAH ACMG Specifications v1. Collection method: curation. Allele origin: germline. Inheritance: Autosomal recessive inheritance.
Comment: The c.1031G>T (p.Gly344Val) variant in PAH has been reported in 2 siblings with classic PKU, detected with pathogenic variant p.R243Q. (PMID: 10679941). This variant is absent in population databases. Multiple lines of computational evidence support a deleterious effect. Other missense changes at the same amino acid residue have been seen before (p.Gly344Asp, p.Gly344Ser and p.Gly344Arg are likely pathogenic by PAH VCEP). In summary, this variant meets criteria to be classified as uncertain significance for PAH. PAH-specific ACMG/AMP criteria applied: PM2, PM3_supporting, PP3, PP4.

Counsyl
Classification: Uncertain significance for Phenylketonuria. Last evaluated: 2018-04-24. Review status: no assertion criteria provided. Collection method: clinical testing. Allele origin: unknown. Not counted in ClinVar's aggregate classification.

DeBelle Laboratory for Biochemical Genetics, MUHC/MCH RESEARCH INSTITUTE
No classification provided. Review status: no classification provided. Collection method: not provided. Allele origin: not provided. Not counted in ClinVar's aggregate classification.

Literature cited by the submitters: PubMed 10679941 (cited by ClinGen PAH Variant Curation Expert Panel and Counsyl).

NM_000277.3(PAH):c.1031G>T (p.Gly344Val)

Gene: PAH (phenylalanine hydroxylase; minus strand). Cytogenetic location: 12q23.2.
Variant type: single nucleotide variant.
Coding change: c.1031G>T on transcript NM_000277.3 (MANE Select); coding-DNA position 1031, G replaced by T.
Protein change: p.Gly344Val; replaces glycine 344 with valine.
Molecular consequence: missense variant.
Genome position (GRCh38, 1-based): chr12:102,844,370, C>A on the plus strand (G>T on the coding strand, the complement: PAH is on the minus strand). VCF-style: chr12-102844370-C-A. GRCh37 (hg19) VCF-style: chr12-103238148-C-A.
Other names: c.1031G>T, p.Gly344Val (NM_001354304.2); short protein forms G344V.
Identifiers: ClinVar variation 102482 (VCV000102482.3), dbSNP rs62508582, ClinGen allele CA229290.